The following is an entry in ClinVar:

ClinVar aggregate classification (germline): Uncertain significance (1 of 4 stars; one submission).

Conditions:
Cardiovascular phenotype. Identifiers: MedGen CN230736.

Allele frequency attached by ClinVar (database versions not stated): ExAC 0.00001; gnomAD 0.00002; TOPMed 0.00002.
gnomAD v4.1: 3 of 1,612,366 alleles (0.00019%); highest among the groups gnomAD compares: African/African-American, 0.004%; no homozygotes.

Submission:

Ambry Genetics
Classification: Uncertain significance for Cardiovascular phenotype. Last evaluated: 2020-01-06. Review status: criteria provided, single submitter. Criteria: Ambry Variant Classification Scheme 2023. Collection method: clinical testing. Allele origin: germline.
Comment: The p.G6001E variant (also known as c.18002G>A), located in coding exon 72 of the TTN gene, results from a G to A substitution at nucleotide position 18002. The glycine at codon 6001 is replaced by glutamic acid, an amino acid with similar properties. This amino acid position is highly conserved in available vertebrate species. In addition, the in silico prediction for this alteration is inconclusive. Since supporting evidence is limited at this time, the clinical significance of this alteration remains unclear.

NM_001267550.2(TTN):c.45197G>A (p.Gly15066Glu)

Genes: TTN (titin; minus strand), LOC126806427 (BRD4-independent group 4 enhancer GRCh37_chr2:179485777-179486976; plus strand). Cytogenetic location: 2q31.2.
Variant type: single nucleotide variant.
Coding change: c.45197G>A on transcript NM_001267550.2 (MANE Select); coding-DNA position 45197, G replaced by A.
Protein change: p.Gly15066Glu; replaces glycine 15066 with glutamic acid.
Molecular consequence: missense variant.
Genome position (GRCh38, 1-based): chr2:178,621,627, C>T on the plus strand (G>A on the coding strand, the complement: TTN is on the minus strand). VCF-style: chr2-178621627-C-T. GRCh37 (hg19) VCF-style: chr2-179486354-C-T.
Other names: c.40274G>A, p.Gly13425Glu (NM_001256850.1); c.18002G>A, p.Gly6001Glu (NM_003319.4); c.37493G>A, p.Gly12498Glu (NM_133378.4); c.18377G>A, p.Gly6126Glu (NM_133432.3); c.18578G>A, p.Gly6193Glu (NM_133437.4); short protein forms G15066E, G12498E, G6193E, G13425E, G6126E, G6001E.
Identifiers: ClinVar variation 1780387 (VCV001780387.2), dbSNP rs746860214, ClinGen allele CA1995479.